The following is an entry in ClinVar:

NM_000038.6(APC):c.341del (p.Pro114fs)

Gene: APC (APC regulator of Wnt signaling pathway; plus strand). Cytogenetic location: 5q22.2.
Variant type: Deletion.
Coding change: c.341del on transcript NM_000038.6 (MANE Select); coding-DNA position 341, one base deleted (C; older notation c.341delC).
Protein change: p.Pro114fs; shifts the reading frame from proline 114.
Molecular consequence: frameshift variant. On other transcripts: 5 prime UTR variant (1).
Genome position (GRCh38, 1-based): chr5:112,767,309, C deleted; the last of 2 consecutive C bases (chr5:112,767,308-112,767,309); deleting either gives the same sequence. VCF-style (leftmost placement, unchanged base first): chr5-112767307-TC-T. GRCh37 (hg19) VCF-style: chr5-112103004-TC-T.
Other names: c.341del, p.Pro114fs (NM_001127510.3, NM_001354895.2, NM_001354896.2 and 2 more transcripts); c.371del, p.Pro124fs (NM_001127511.3, NM_001354897.2, NM_001354902.2); c.266del, p.Pro89fs (NM_001354898.2, NM_001354904.2); c.164del, p.Pro55fs (NM_001354900.2, NM_001354901.2, NM_001354905.2); c.-695del (NM_001354906.2); short protein forms P114fs, P124fs, P55fs, P89fs.
Identifiers: ClinVar variation 418006 (VCV000418006.6), dbSNP rs1064793021, ClinGen allele CA16618068.

ClinVar aggregate classification (germline): Pathogenic. Review status: criteria provided, multiple submitters, no conflicts (2 of 4 stars). 4 submissions from 4 submitters: Pathogenic (4). Last evaluated 2025-09-12.

Conditions:
Hereditary cancer-predisposing syndrome. Also called: Hereditary neoplastic syndrome; Tumor predisposition; Neoplastic Syndromes, Hereditary; Hereditary Cancer Syndrome. Identifiers: Orphanet 140162, MedGen C0027672, MeSH D009386, MONDO:0015356.
Familial adenomatous polyposis 1 (FAP1). Also called: FAMILIAL ADENOMATOUS POLYPOSIS 1, ATTENUATED; POLYPOSIS, ADENOMATOUS INTESTINAL. Identifiers: MedGen C2713442, MONDO:0021056, OMIM 175100. Disease mechanism: loss of function.

Submissions (4):

Labcorp Genetics (formerly Invitae), Labcorp
Classification: Pathogenic for Familial adenomatous polyposis 1. Last evaluated: 2025-09-12. Review status: criteria provided, single submitter. Criteria: Invitae Variant Classification Sherloc (09022015). Collection method: clinical testing. Allele origin: germline.
Comment: This sequence change creates a premature translational stop signal (p.Pro114Leufs*11) in the APC gene. It is expected to result in an absent or disrupted protein product. Loss-of-function variants in APC are known to be pathogenic (PMID: 17963004, 20685668). This variant is not present in population databases (gnomAD no frequency). This premature translational stop signal has been observed in individual(s) with familial adenomatous polyposis (PMID: 20649969, 35189564). ClinVar contains an entry for this variant (Variation ID: 418006). For these reasons, this variant has been classified as Pathogenic.

Myriad Genetics, Inc.
Classification: Pathogenic for Familial adenomatous polyposis 1. Last evaluated: 2023-04-25. Review status: criteria provided, single submitter. Criteria: Myriad Autosomal Dominant, Autosomal Recessive and X-Linked Classification Criteria (2023). Collection method: clinical testing. Allele origin: unknown.
Comment: This variant is considered pathogenic. This variant creates a frameshift predicted to result in premature protein truncation.

Ambry Genetics
Classification: Pathogenic for Hereditary cancer-predisposing syndrome. Last evaluated: 2022-09-28. Review status: criteria provided, single submitter. Criteria: Ambry Variant Classification Scheme 2023. Collection method: clinical testing. Allele origin: germline.
Comment: The c.341delC pathogenic mutation, located in coding exon 3 of the APC gene, results from a deletion of one nucleotide at nucleotide position 341, causing a translational frameshift with a predicted alternate stop codon (p.P114Lfs*11). In addition, this mutation is also designated as c.340delC in published literature. This variant is considered to be rare based on population cohorts in the Genome Aggregation Database (gnomAD). This alteration is expected to result in loss of function by premature protein truncation or nonsense-mediated mRNA decay. As such, this alteration is interpreted as a disease-causing mutation.

GeneDx
Classification: Pathogenic. Last evaluated: 2015-01-06. Review status: criteria provided, single submitter. Criteria: GeneDx Variant Classification (06012015). Collection method: clinical testing. Allele origin: germline. Affected: yes.
Comment: This deletion of one nucleotide in APC is denoted c.341delC at the cDNA level and p.Pro114LeufsX11 (P114LfsX11) at the protein level. The normal sequence, with the base that is deleted in brackets, is GTTC[C]TATG. The deletion causes a frameshift, which changes a Proline to a Leucine at codon 114, and creates a premature stop codon at position 11 of the new reading frame. This variant is predicted to cause loss of normal protein function through either protein truncation or nonsense-mediated mRNA decay. APC c.341delC, previously reported as 340delC, has been reported in an individual with attenuated FAP (Fostira 2010). we consider this variant to be pathogenic.

Literature cited by the submitters: PubMed 17963004 (cited by Labcorp Genetics (formerly Invitae), Labcorp); PubMed 20685668 (cited by Labcorp Genetics (formerly Invitae), Labcorp); PubMed 20649969 (cited by Labcorp Genetics (formerly Invitae), Labcorp and Ambry Genetics); PubMed 35189564 (cited by Labcorp Genetics (formerly Invitae), Labcorp).